The following is an entry in ClinVar:

ClinVar aggregate classification (germline): Uncertain significance (1 of 4 stars; one submission).

Conditions:
Immunodeficiency 35 (IMD35). Also called: HIES WITH ATYPICAL MYCOBACTERIOSIS, AUTOSOMAL RECESSIVE; HYPER-IgE SYNDROME WITH ATYPICAL MYCOBACTERIOSIS, AUTOSOMAL RECESSIVE; TYK2 DEFICIENCY; Susceptibility to infection due to TYK2 deficiency. Identifiers: Orphanet 331226, MedGen C1969086, MONDO:0012682, OMIM 611521.

gnomAD v4.1: 1 of 1,613,520 alleles (0.000062%); highest among the groups gnomAD compares: Non-Finnish European, 0.000085%; no homozygotes.

Submission:

Labcorp Genetics (formerly Invitae), Labcorp
Classification: Uncertain significance for Immunodeficiency 35. Last evaluated: 2025-11-27. Review status: criteria provided, single submitter. Criteria: Invitae Variant Classification Sherloc (09022015). Collection method: clinical testing. Allele origin: germline.
Comment: This sequence change replaces valine, which is neutral and non-polar, with leucine, which is neutral and non-polar, at codon 762 of the TYK2 protein (p.Val762Leu). This variant is not present in population databases (gnomAD no frequency). This variant has not been reported in the literature in individuals affected with TYK2-related conditions. Invitae Evidence Modeling of protein sequence and biophysical properties (such as structural, functional, and spatial information, amino acid conservation, physicochemical variation, residue mobility, and thermodynamic stability) indicates that this missense variant is not expected to disrupt TYK2 protein function with a negative predictive value of 80%. In summary, the available evidence is currently insufficient to determine the role of this variant in disease. Therefore, it has been classified as a Variant of Uncertain Significance.

NM_003331.5(TYK2):c.2284G>T (p.Val762Leu)

Gene: TYK2 (tyrosine kinase 2; minus strand). Cytogenetic location: 19p13.2.
Variant type: single nucleotide variant.
Coding change: c.2284G>T on transcript NM_003331.5 (MANE Select); coding-DNA position 2284, G replaced by T.
Protein change: p.Val762Leu; replaces valine 762 with leucine.
Molecular consequence: missense variant.
Genome position (GRCh38, 1-based): chr19:10,358,030, C>A on the plus strand (G>T on the coding strand, the complement: TYK2 is on the minus strand). VCF-style: chr19-10358030-C-A. GRCh37 (hg19) VCF-style: chr19-10468706-C-A.
Other names: c.2284G>T, p.Val762Leu (NM_001385197.1, NM_001385198.1, NM_001385200.1 and 3 more transcripts); c.2098G>T, p.Val700Leu (NM_001385199.1); c.2086G>T, p.Val696Leu (NM_001385201.1); c.2200G>T, p.Val734Leu (NM_001385202.1); c.2194G>T, p.Val732Leu (NM_001385205.1); c.2158G>T, p.Val720Leu (NM_001385206.1); c.2266G>T, p.Val756Leu (NM_001385207.1); short protein forms V696L, V756L, V762L, V700L, V720L, V732L, V734L.
Identifiers: ClinVar variation 4781897 (VCV004781897.1).